The following is an entry in ClinVar:

NM_003803.4(MYOM1):c.1037A>T (p.Asp346Val)

Gene: MYOM1 (myomesin 1; minus strand). Cytogenetic location: 18p11.31.
Variant type: single nucleotide variant.
Coding change: c.1037A>T on transcript NM_003803.4 (MANE Select); coding-DNA position 1037, A replaced by T.
Protein change: p.Asp346Val; replaces aspartic acid 346 with valine.
Molecular consequence: missense variant.
Genome position (GRCh38, 1-based): chr18:3,174,194, T>A on the plus strand (A>T on the coding strand, the complement: MYOM1 is on the minus strand). VCF-style: chr18-3174194-T-A. GRCh37 (hg19) VCF-style: chr18-3174192-T-A.
Other names: c.1037A>T, p.Asp346Val (NM_019856.2); short protein forms D346V.
Identifiers: ClinVar variation 4740290 (VCV004740290.1).

ClinVar aggregate classification (germline): Uncertain significance (1 of 4 stars; one submission).

Conditions:
Hypertrophic cardiomyopathy. Also called: HYPERTROPHIC MYOCARDIOPATHY. Identifiers: Orphanet 217569, MedGen C0007194, MeSH D002312, MONDO:0005045, HP:0001639.

Submission:

Labcorp Genetics (formerly Invitae), Labcorp
Classification: Uncertain significance for Hypertrophic cardiomyopathy. Last evaluated: 2026-01-11. Review status: criteria provided, single submitter. Criteria: Invitae Variant Classification Sherloc (09022015). Collection method: clinical testing. Allele origin: germline.
Comment: This sequence change replaces aspartic acid, which is acidic and polar, with valine, which is neutral and non-polar, at codon 346 of the MYOM1 protein (p.Asp346Val). This variant is not present in population databases (gnomAD no frequency). This variant has not been reported in the literature in individuals affected with MYOM1-related conditions. Invitae Evidence Modeling of protein sequence and biophysical properties (such as structural, functional, and spatial information, amino acid conservation, physicochemical variation, residue mobility, and thermodynamic stability) has been performed for this missense variant. However, the output from this modeling did not meet the statistical confidence thresholds required to predict the impact of this variant on MYOM1 protein function. In summary, the available evidence is currently insufficient to determine the role of this variant in disease. Therefore, it has been classified as a Variant of Uncertain Significance.